The following is an entry in ClinVar:

NM_001374353.1(GLI2):c.1383G>A (p.Thr461=)

Gene: GLI2 (GLI family zinc finger 2; plus strand). Cytogenetic location: 2q14.2.
Variant type: single nucleotide variant.
Coding change: c.1383G>A on transcript NM_001374353.1 (MANE Select); coding-DNA position 1383, G replaced by A.
Protein change: p.Thr461=; no amino-acid change (threonine 461 retained).
Molecular consequence: synonymous variant.
Genome position (GRCh38, 1-based): chr2:120,978,499, G>A. VCF-style: chr2-120978499-G-A. GRCh37 (hg19) VCF-style: chr2-121736075-G-A.
Other names: c.1434G>A, p.Thr478= (NM_001371271.1, NM_005270.5); c.1008G>A, p.Thr336= (NM_001374354.1).
Identifiers: ClinVar variation 779826 (VCV000779826.13), dbSNP rs768606373, ClinGen allele CA1851902.

ClinVar aggregate classification (germline): Benign/Likely benign. Review status: criteria provided, multiple submitters, no conflicts (2 of 4 stars). 4 submissions from 4 submitters: Benign (1); Likely benign (2). 1 of the submissions does not count toward it. Last evaluated 2026-09-01.

Conditions:
GLI2-related disorder. Also called: GLI2-related condition; GLI2-related disorders.
Holoprosencephaly 9 (HPE9). Also called: PITUITARY ANOMALIES WITH HOLOPROSENCEPHALY-LIKE FEATURES; HOLOPROSENCEPHALY WITH MICROPHTHALMIA AND FIRST BRANCHIAL ARCH ANOMALIES. Identifiers: Orphanet 2162, MedGen C1835819, MONDO:0012563, OMIM 610829.
Postaxial polydactyly-anterior pituitary anomalies-facial dysmorphism syndrome. Also called: Culler-Jones syndrome. Identifiers: Orphanet 420584, MedGen C4014479, MONDO:0014369, OMIM 615849.

Allele frequency attached by ClinVar (database versions not stated): gnomAD 0.00005; gnomAD exomes 0.00005 and 0.00017; TOPMed 0.00006; ExAC 0.00012.
gnomAD v4.1: 78 of 1,614,032 alleles (0.0048%); highest among the groups gnomAD compares: Admixed American, 0.082%; no homozygotes.

Submissions (4):

CeGaT Center for Human Genetics Tuebingen
Classification: Likely benign. Last evaluated: 2026-09-01. Review status: criteria provided, single submitter. Criteria: CeGaT Center For Human Genetics Tuebingen Variant Classification Criteria Version 2. Collection method: clinical testing. Allele origin: germline. Affected: yes. Observed: 1 variant allele.
Comment: GLI2: BP4, BP7

Women's Health and Genetics/Laboratory Corporation of America, LabCorp
Classification: Likely benign. Last evaluated: 2026-06-25. Review status: criteria provided, single submitter. Criteria: LabCorp Variant Classification Summary - May 2015. Collection method: clinical testing. Allele origin: germline.

Labcorp Genetics (formerly Invitae), Labcorp
Classification: Benign for Postaxial polydactyly-anterior pituitary anomalies-facial dysmorphism syndrome; Holoprosencephaly 9. Last evaluated: 2026-01-12. Review status: criteria provided, single submitter. Criteria: Invitae Variant Classification Sherloc (09022015). Collection method: clinical testing. Allele origin: germline.

PreventionGenetics, part of Exact Sciences
Classification: Likely benign for GLI2-related condition. Last evaluated: 2023-07-20. Review status: no assertion criteria provided. Collection method: clinical testing. Allele origin: germline. Not counted in ClinVar's aggregate classification.
Comment: This variant is classified as likely benign based on ACMG/AMP sequence variant interpretation guidelines (Richards et al. 2015 PMID: 25741868, with internal and published modifications).